The following is an entry in ClinVar:

NM_014846.4(WASHC5):c.3029T>G (p.Leu1010Ter)

Gene: WASHC5 (WASH complex subunit 5; minus strand). Cytogenetic location: 8q24.13.
Variant type: single nucleotide variant.
Coding change: c.3029T>G on transcript NM_014846.4 (MANE Select); coding-DNA position 3029, T replaced by G.
Protein change: p.Leu1010Ter; replaces leucine 1010 with a stop codon.
Molecular consequence: nonsense.
Genome position (GRCh38, 1-based): chr8:125,038,885, A>C on the plus strand (T>G on the coding strand, the complement: WASHC5 is on the minus strand). VCF-style: chr8-125038885-A-C. GRCh37 (hg19) VCF-style: chr8-126051127-A-C.
Other names: c.2585T>G, p.Leu862Ter (NM_001330609.2); short protein forms L1010*, L862*.
Identifiers: ClinVar variation 435567 (VCV000435567.8), dbSNP rs749808080, ClinGen allele CA372184751.

ClinVar aggregate classification (germline): Uncertain significance. Review status: criteria provided, multiple submitters, no conflicts (2 of 4 stars). 2 submissions from 2 submitters: Uncertain significance (2). Last evaluated 2025-10-06.

Allele frequency attached by ClinVar (database versions not stated): TOPMed 0.00001.

Submissions (2):

GeneDx
Classification: Uncertain significance. Last evaluated: 2025-10-06. Review status: criteria provided, single submitter. Criteria: GeneDx Variant Classification Process June 2021. Collection method: clinical testing. Allele origin: germline.
Comment: Not observed at significant frequency in large population cohorts (gnomAD); Nonsense variant predicted to result in protein truncation or nonsense mediated decay in a gene or region of a gene for which loss of function is not a well-established mechanism of disease; Has not been previously published as pathogenic or benign to our knowledge

Genetic Services Laboratory, University of Chicago
Classification: Uncertain significance. Last evaluated: 2016-04-26. Review status: criteria provided, single submitter. Criteria: ACMG Guidelines, 2015. Collection method: clinical testing. Allele origin: germline. Affected: no.